The following is an entry in ClinVar:

ClinVar aggregate classification (germline): Benign/Likely benign. Review status: criteria provided, multiple submitters, no conflicts (2 of 4 stars). 3 submissions from 3 submitters: Benign (1); Likely benign (2). Last evaluated 2024-12-16.

Conditions:
Cardiovascular phenotype. Identifiers: MedGen CN230736.
Arrhythmogenic cardiomyopathy with wooly hair and keratoderma. Also called: PALMOPLANTAR KERATODERMA WITH LEFT VENTRICULAR CARDIOMYOPATHY AND WOOLLY HAIR; Carvajal syndrome; Dilated cardiomyopathy with woolly hair and keratoderma; Arrhythmogenic cardiomyopathy with woolly hair and keratoderma. Identifiers: Orphanet 65282, MedGen C1854063, MONDO:0011581, OMIM 605676.
Arrhythmogenic right ventricular dysplasia 8 (ARVD8). Also called: Arrhythmogenic Right Ventricular Dysplasia/Cardiomyopathy 8; ARRHYTHMOGENIC RIGHT VENTRICULAR DYSPLASIA, FAMILIAL, 8; ARRHYTHMOGENIC RIGHT VENTRICULAR CARDIOMYOPATHY 8. Identifiers: MedGen C1843896, MONDO:0011831, OMIM 607450.

Allele frequency attached by ClinVar (database versions not stated): gnomAD exomes below 0.00001.

Submissions (3):

Labcorp Genetics (formerly Invitae), Labcorp
Classification: Benign for Arrhythmogenic cardiomyopathy with wooly hair and keratoderma; Arrhythmogenic right ventricular dysplasia 8. Last evaluated: 2024-12-16. Review status: criteria provided, single submitter. Criteria: Invitae Variant Classification Sherloc (09022015). Collection method: clinical testing. Allele origin: germline.

All of Us Research Program, National Institutes of Health
Classification: Likely benign for Arrhythmogenic cardiomyopathy with wooly hair and keratoderma. Last evaluated: 2023-11-20. Review status: criteria provided, single submitter. Criteria: ACMG Guidelines, 2015. Collection method: clinical testing. Allele origin: germline. Inheritance: Autosomal dominant inheritance. Observed: 1 variant allele, 1 heterozygote.
Comment: This study involves interpretation of variants in research participants for the purpose of population health screening. Participant phenotype was not available at the time of variant classification. Additional details can be found in publication PMID: 35346344, PMCID: PMC8962531

Ambry Genetics
Classification: Likely benign for Cardiovascular phenotype. Last evaluated: 2020-06-08. Review status: criteria provided, single submitter. Criteria: Ambry Variant Classification Scheme 2023. Collection method: clinical testing. Allele origin: germline.

NM_004415.4(DSP):c.6459G>A (p.Leu2153=)

Gene: DSP (desmoplakin; plus strand). Cytogenetic location: 6p24.3.
Variant type: single nucleotide variant.
Coding change: c.6459G>A on transcript NM_004415.4 (MANE Select); coding-DNA position 6459, G replaced by A.
Protein change: p.Leu2153=; no amino-acid change (leucine 2153 retained).
Molecular consequence: synonymous variant.
Genome position (GRCh38, 1-based): chr6:7,583,721, G>A. VCF-style: chr6-7583721-G-A. GRCh37 (hg19) VCF-style: chr6-7583954-G-A.
Other names: c.4662G>A, p.Leu1554= (NM_001008844.3); c.5130G>A, p.Leu1710= (NM_001319034.2).
Identifiers: ClinVar variation 1753635 (VCV001753635.6), dbSNP rs1409344723, ClinGen allele CA448715754.
Genomic context (GRCh38, chr6:7,583,721, plus strand): 5'-TGTAGTAGACCCTGTGAACAGTGTCTTTTTGCCAAAAGATGTCGCCTTGGCCCGGGGGCT[G>A]ATTGATAGAGATTTGTATCGATCCCTGAATGATCCCCGAGATAGTCAGAAAAACTTTGTG-3'
Protein context (NP_004406.2, residues 2143-2163): LPKDVALARG[Leu2153=]IDRDLYRSLN